The following is an entry in ClinVar:

NM_006005.3(WFS1):c.631+164G>C

Gene: WFS1 (wolframin ER transmembrane glycoprotein; plus strand). Cytogenetic location: 4p16.1.
Variant type: single nucleotide variant.
Coding change: c.631+164G>C on transcript NM_006005.3 (MANE Select); 164 bases into the intron after coding-DNA position 631, G replaced by C.
Molecular consequence: intron variant.
Genome position (GRCh38, 1-based): chr4:6,291,531, G>C. VCF-style: chr4-6291531-G-C. GRCh37 (hg19) VCF-style: chr4-6293258-G-C.
Other names: c.631+164G>C (NM_001145853.1).
Identifiers: ClinVar variation 672590 (VCV000672590.2), dbSNP rs71539643, ClinGen allele CA11805838.
Genomic context (GRCh38, chr4:6,291,531, plus strand): 5'-CTTCCCACAGGAGCCGGGACCTTCCCTGTGAGGACAGGGCCCTTCCTTGTGGGGACCAGG[G>C]GACCAGAACCTTCCTGTAGAGACCGTGCCCTAGTGGTGAGGTGTGTGGGTGGCATTTTGA-3'

ClinVar aggregate classification (germline): Benign. Review status: criteria provided, multiple submitters, no conflicts (2 of 4 stars). 2 submissions from 2 submitters: Benign (2). Last evaluated 2018-06-14.

Conditions:
Wolfram syndrome 1 (WFS1). Identifiers: Orphanet 3463, MedGen C4551693, MONDO:0009101, OMIM 222300.

Allele frequency attached by ClinVar (database versions not stated): gnomAD 0.01831 and 0.01971; TOPMed 0.02099; 1000 Genomes Project 0.03115.
gnomAD v4.1: 2,971 of 152,200 alleles (2%); highest among the groups gnomAD compares: African/African-American, 6.2%; 80 homozygotes.

Submissions (2):

GeneDx
Classification: Benign. Last evaluated: 2018-06-14. Review status: criteria provided, single submitter. Criteria: GeneDx Variant Classification (06012015). Collection method: clinical testing. Allele origin: germline. Affected: yes.
Comment: This variant is considered likely benign or benign based on one or more of the following criteria: it is a conservative change, it occurs at a poorly conserved position in the protein, it is predicted to be benign by multiple in silico algorithms, and/or has population frequency not consistent with disease.

Clinical Genomics, Uppaluri K&H Personalized Medicine Clinic
Classification: Benign for Wolfram syndrome 1. Review status: criteria provided, single submitter. Criteria: K & H Uppaluri Personalized Medicine Clinic Variant Classification & Assertion Criteria_Updated V.1. Collection method: research. Allele origin: unknown. Inheritance: Autosomal recessive inheritance.
Comment: Potent mutations in WFS1 gene are associated with Wolfram's syndrome, an autosomal recessive condition, which cause diabetes mellitus, diabetes insipidus, deafness and optic atrophy. However no sufficient evidence is found to ascertain the role of this particular variant rs71539643 in Wolfram's syndrome yet.

Literature cited by the submitters: PubMed 20738327 (cited by Clinical Genomics, Uppaluri K&H Personalized Medicine Clinic); PubMed 33879153 (cited by Clinical Genomics, Uppaluri K&H Personalized Medicine Clinic); PubMed 12955714 (cited by Clinical Genomics, Uppaluri K&H Personalized Medicine Clinic); PubMed 18060660 (cited by Clinical Genomics, Uppaluri K&H Personalized Medicine Clinic); PubMed 20301750 (cited by Clinical Genomics, Uppaluri K&H Personalized Medicine Clinic); PubMed 17603484 (cited by Clinical Genomics, Uppaluri K&H Personalized Medicine Clinic).